The following is an entry in ClinVar:

NM_001378615.1(CC2D2A):c.2929G>T (p.Glu977Ter)

Genes: CC2D2A (coiled-coil and C2 domain containing 2A; plus strand), FBXL5 (F-box and leucine rich repeat protein 5; minus strand). Cytogenetic location: 4p15.32.
Variant type: single nucleotide variant.
Coding change: c.2929G>T on transcript NM_001378615.1 (MANE Select); coding-DNA position 2929, G replaced by T.
Protein change: p.Glu977Ter; replaces glutamic acid 977 with a stop codon.
Molecular consequence: nonsense.
Genome position (GRCh38, 1-based): chr4:15,560,537, G>T. VCF-style: chr4-15560537-G-T. GRCh37 (hg19) VCF-style: chr4-15562160-G-T.
Other names: c.2929G>T, p.Glu977Ter (NM_001080522.2); c.2782G>T, p.Glu928Ter (NM_001378617.1); short protein forms E928*, E977*.
Identifiers: ClinVar variation 5015140 (VCV005015140.1).

ClinVar aggregate classification (germline): Pathogenic (1 of 4 stars; one submission).

Conditions:
Joubert syndrome and related disorders. Identifiers: Orphanet 140874, MedGen C5679612, MONDO:0015369.

Submission:

Myriad Genetics, Inc.
Classification: Pathogenic for Joubert syndrome and related disorders. Last evaluated: 2025-10-25. Review status: criteria provided, single submitter. Criteria: Myriad Autosomal Dominant, Autosomal Recessive and X-Linked Classification Criteria (2023). Collection method: clinical testing. Allele origin: unknown.
Comment: NM_001080522.2(CC2D2A):c.2929G>T(E977*) is expected to be pathogenic in the context of CC2D2A-related disorders. This variant is predicted to lead to an abnormal or absent protein product due to the creation of a premature termination codon in CC2D2A, a gene where loss-of-function variants are known to be pathogenic. Please note: this variant was assessed in the context of healthy population screening.